The following is an entry in ClinVar:

ClinVar aggregate classification (germline): Conflicting classifications of pathogenicity. Review status: criteria provided, conflicting classifications (1 of 4 stars). 4 submissions from 4 submitters: Uncertain significance (1); Likely benign (3). Last evaluated 2026-01-07.

Conditions:
Intellectual disability, autosomal dominant 15 (CSS3). Also called: COFFIN-SIRIS SYNDROME 3. Identifiers: Orphanet 1465, MedGen C3553248, MONDO:0013820, OMIM 614608.

Allele frequency attached by ClinVar (database versions not stated): gnomAD exomes below 0.00001; gnomAD 0.00001.
gnomAD v4.1: 12 of 1,613,990 alleles (0.00074%); highest among the groups gnomAD compares: Middle Eastern, 0.017%; no homozygotes.

Submissions (4):

Labcorp Genetics (formerly Invitae), Labcorp
Classification: Likely benign. Last evaluated: 2026-01-07. Review status: criteria provided, single submitter. Criteria: Invitae Variant Classification Sherloc (09022015). Collection method: clinical testing. Allele origin: germline.

Blueprint Genetics
Classification: Likely benign. Last evaluated: 2024-11-01. Review status: criteria provided, single submitter. Criteria: ACMG Guidelines, 2015. Collection method: clinical testing. Allele origin: germline.

CeGaT Center for Human Genetics Tuebingen
Classification: Likely benign. Last evaluated: 2022-05-01. Review status: criteria provided, single submitter. Criteria: CeGaT Center For Human Genetics Tuebingen Variant Classification Criteria Version 2. Collection method: clinical testing. Allele origin: germline. Affected: yes. Observed: 1 variant allele.
Comment: SMARCB1: BP4, BS1

New York Genome Center
Classification: Uncertain significance for Intellectual disability, autosomal dominant 15. Last evaluated: 2021-07-02. Review status: criteria provided, single submitter. Criteria: NYGC Assertion Criteria 2020. Collection method: clinical testing. Allele origin: inherited. Observed: 1 heterozygote. Study: CSER-NYCKidSeq.

NM_003073.5(SMARCB1):c.1118+6C>G

Gene: SMARCB1 (SWI/SNF related BAF chromatin remodeling complex subunit B1; plus strand). Cytogenetic location: 22q11.23.
Variant type: single nucleotide variant.
Coding change: c.1118+6C>G on transcript NM_003073.5 (MANE Select); 6 bases into the intron after coding-DNA position 1118, C replaced by G.
Molecular consequence: intron variant.
Genome position (GRCh38, 1-based): chr22:23,833,709, C>G. VCF-style: chr22-23833709-C-G. GRCh37 (hg19) VCF-style: chr22-24175896-C-G.
Other names: c.1172+6C>G (NM_001362877.2); c.1145+6C>G (NM_001317946.2); c.1091+6C>G (NM_001007468.3); c.1118+6C>G (LRG_520t1).
Identifiers: ClinVar variation 532971 (VCV000532971.33), dbSNP rs200675113, ClinGen allele CA322582234.
Genomic context (GRCh38, chr22:23,833,709, plus strand): 5'-CTCTGACAGACGCTGAGATGGAGAAGAAGATCCGCGACCAGGACAGGAACACGAGGTACC[C>G]CTGGCCCTGTGGTCCTGGGCTCTGCCCACAGGCACCTGGCTTTCCAGGCAGAGGCAGGGC-3'